The following is an entry in ClinVar:

ClinVar aggregate classification (germline): Uncertain significance (1 of 4 stars; one submission).

Allele frequency attached by ClinVar (database versions not stated): gnomAD exomes below 0.00001.
gnomAD v4.1: 1 of 1,609,234 alleles (0.000062%); highest among the groups gnomAD compares: Non-Finnish European, 0.000085%; no homozygotes.

Submission:

Labcorp Genetics (formerly Invitae), Labcorp
Classification: Uncertain significance. Last evaluated: 2022-12-30. Review status: criteria provided, single submitter. Criteria: Invitae Variant Classification Sherloc (09022015). Collection method: clinical testing. Allele origin: germline.
Comment: In summary, the available evidence is currently insufficient to determine the role of this variant in disease. Therefore, it has been classified as a Variant of Uncertain Significance. Algorithms developed to predict the effect of missense changes on protein structure and function are either unavailable or do not agree on the potential impact of this missense change (SIFT: "Tolerated"; PolyPhen-2: "Possibly Damaging"; Align-GVGD: "Class C0"). This variant has not been reported in the literature in individuals affected with ANKRD26-related conditions. This variant is not present in population databases (gnomAD no frequency). This sequence change replaces lysine, which is basic and polar, with glutamine, which is neutral and polar, at codon 8 of the ANKRD26 protein (p.Lys8Gln).

NM_014915.3(ANKRD26):c.22A>C (p.Lys8Gln)

Genes: ANKRD26 (ankyrin repeat domain 26; minus strand), LOC130003554 (ATAC-STARR-seq lymphoblastoid silent region 2243; plus strand). Cytogenetic location: 10p12.1.
Variant type: single nucleotide variant.
Coding change: c.22A>C on transcript NM_014915.3 (MANE Select); coding-DNA position 22, A replaced by C.
Protein change: p.Lys8Gln; replaces lysine 8 with glutamine.
Molecular consequence: missense variant.
Genome position (GRCh38, 1-based): chr10:27,100,305, T>G on the plus strand (A>C on the coding strand, the complement: ANKRD26 is on the minus strand). VCF-style: chr10-27100305-T-G. GRCh37 (hg19) VCF-style: chr10-27389234-T-G.
Other names: c.22A>C, p.Lys8Gln (NM_001256053.2); short protein forms K8Q.
Identifiers: ClinVar variation 2825139 (VCV002825139.3), dbSNP rs2539364870, ClinGen allele CA376370079.